The following is an entry in ClinVar:

ClinVar aggregate classification (germline): Pathogenic (1 of 4 stars; one submission).

Conditions:
Mucopolysaccharidosis, MPS-II (MPS2). Also called: Hunter Syndrome; IDURONATE 2-SULFATASE DEFICIENCY; Mucopolysaccharidosis Type II; Mucopolysaccharidosis type 2; Attenuated MPS (subtype; formerly known as mild MPS II); Severe MPS II. Identifiers: Orphanet 580, Orphanet 79388, MedGen C0026705, MONDO:0010674, OMIM 309900.

Submission:

Laboratory of Diagnosis and Therapy of Lysosomal Disorders, University of Padova
Classification: Pathogenic for Mucopolysaccharidosis, MPS-II. Last evaluated: 2024-06-07. Review status: criteria provided, single submitter. Criteria: ACMG Guidelines, 2015. Collection method: literature only. Allele origin: germline. Affected: yes. Observed: 1 variant allele.
Comment: Absent from controls (or at low frequency) in gnomAD database (PM2_Moderate), Missense change at the same amino acid residue as a pathogenic variant (PM5_Moderate), Missense variant in a gene with a low rate of benign missense variation (PP2_Supporting), Multiple lines of computational evidence support a deleterious effect (PP3_Supporting), Patient’s phenotype or family history highly specific for the disease (PP4_Strong)

Classification method: ACMG Guidelines [PMID:25741868] with modifications

Literature cited by the submitters: PubMed 9762601.

NM_000202.8(IDS):c.924T>G (p.Asp308Glu)

Genes: IDS (iduronate 2-sulfatase; minus strand), LOC106050102 (IDS recombination region; plus strand). Cytogenetic location: Xq28.
Variant type: single nucleotide variant.
Coding change: c.924T>G on transcript NM_000202.8 (MANE Select); coding-DNA position 924, T replaced by G.
Protein change: p.Asp308Glu; replaces aspartic acid 308 with glutamic acid.
Molecular consequence: missense variant. On other transcripts: non-coding transcript variant (1).
Genome position (GRCh38, 1-based): chrX:149,490,396, A>C on the plus strand (T>G on the coding strand, the complement: IDS is on the minus strand). VCF-style: chrX-149490396-A-C. GRCh37 (hg19) VCF-style: chrX-148571927-A-C.
Other names: c.654T>G, p.Asp218Glu (NM_001166550.4); c.924T>G, p.Asp308Glu (NM_006123.5); short protein forms D218E, D308E.
Identifiers: ClinVar variation 3255882 (VCV003255882.2).
Genomic context (GRCh38, chrX:149,490,396, plus strand): 5'-GATGGTGCTGTTGGCCAGCTGAAGATCGTCCAAAGCACTCAAGAGGCGGCCGACCTGTGT[A>C]TCCAAATATGACACAGAGGCAAAGTAGCTCTGGCGGATTTTCCGCTGCAAATTGAAAAAA-3'
Protein context (NP_000193.1, residues 298-318): QSYFASVSYL[Asp308Glu]TQVGRLLSAL